The following is an entry in ClinVar:

NM_000069.3(CACNA1S):c.1935C>T (p.Phe645=)

Gene: CACNA1S (calcium voltage-gated channel subunit alpha1 S; minus strand). Cytogenetic location: 1q32.1.
Variant type: single nucleotide variant.
Coding change: c.1935C>T on transcript NM_000069.3 (MANE Select); coding-DNA position 1935, C replaced by T.
Protein change: p.Phe645=; no amino-acid change (phenylalanine 645 retained).
Molecular consequence: synonymous variant.
Genome position (GRCh38, 1-based): chr1:201,075,508, G>A on the plus strand (C>T on the coding strand, the complement: CACNA1S is on the minus strand). VCF-style: chr1-201075508-G-A. GRCh37 (hg19) VCF-style: chr1-201044636-G-A.
Identifiers: ClinVar variation 541052 (VCV000541052.22), dbSNP rs550584336, ClinGen allele CA078672.

ClinVar aggregate classification (germline): Benign/Likely benign. Review status: criteria provided, multiple submitters, no conflicts (2 of 4 stars). 11 submissions from 8 submitters: Benign (1); Likely benign (9). 1 of the submissions does not count toward it. Last evaluated 2025-12-29.

Conditions:
CACNA1S-related disorder. Also called: CACNA1S-related condition.
Thyrotoxic periodic paralysis, susceptibility to, 1 (TTPP1). Identifiers: Orphanet 79102, MedGen C2749982, MONDO:0008570, OMIM 188580.
Congenital myopathy 18. Also called: Myopathy, congenital, due to dihydropyridine receptor defect; DIHYDROPYRIDINE RECEPTOR CONGENITAL MYOPATHY; DHPR CONGENITAL MYOPATHY. Identifiers: MedGen C5830283, MONDO:0859514, OMIM 620246.
Hypokalemic periodic paralysis, type 1. Also called: HypoPP; Hypokalemic Periodic Paralysis Type 1 (AD). Identifiers: Orphanet 681, MedGen C3714580, MONDO:0042979, OMIM 170400.
Malignant hyperthermia, susceptibility to, 5 (MHS5). Also called: CACNA1S-Related Malignant Hyperthermia Susceptibility. Identifiers: Orphanet 423, MedGen C1866077, MONDO:0011163, OMIM 601887.

Allele frequency attached by ClinVar (database versions not stated): gnomAD 0.00008 and 0.00009; TOPMed 0.00008; gnomAD exomes 0.00010; ExAC 0.00012; 1000 Genomes Project 0.00020; 1000 Genomes Project 30x 0.00031.
gnomAD v4.1: 156 of 1,611,684 alleles (0.0097%); highest among the groups gnomAD compares: Middle Eastern, 0.13%; 1 homozygote.

Submissions (11):

Labcorp Genetics (formerly Invitae), Labcorp
Classification: Likely benign for Hypokalemic periodic paralysis, type 1; Malignant hyperthermia, susceptibility to, 5. Last evaluated: 2025-12-29. Review status: criteria provided, single submitter. Criteria: Invitae Variant Classification Sherloc (09022015). Collection method: clinical testing. Allele origin: germline.

Blueprint Genetics
Classification: Likely benign. Last evaluated: 2024-08-19. Review status: criteria provided, single submitter. Criteria: ACMG Guidelines, 2015. Collection method: clinical testing. Allele origin: germline.

All of Us Research Program, National Institutes of Health
Classification: Likely benign for Malignant hyperthermia, susceptibility to, 5. Last evaluated: 2023-12-18. Review status: criteria provided, single submitter. Criteria: ACMG Guidelines, 2015. Collection method: clinical testing. Allele origin: germline. Inheritance: Autosomal dominant inheritance. Observed: 17 variant alleles, 17 heterozygotes.
Comment: This study involves interpretation of variants in research participants for the purpose of population health screening. Participant phenotype was not available at the time of variant classification. Additional details can be found in publication PMID: 35346344, PMCID: PMC8962531

Genome-Nilou Lab
Classification: Likely benign for Malignant hyperthermia, susceptibility to, 5. Last evaluated: 2023-04-11. Review status: criteria provided, single submitter. Criteria: ACMG Guidelines, 2015. Collection method: clinical testing. Allele origin: germline. Affected: no.

Genome-Nilou Lab
Classification: Likely benign for Thyrotoxic periodic paralysis, susceptibility to, 1. Last evaluated: 2023-04-11. Review status: criteria provided, single submitter. Criteria: ACMG Guidelines, 2015. Collection method: clinical testing. Allele origin: germline. Affected: no.

Genome-Nilou Lab
Classification: Likely benign for Congenital myopathy 18. Last evaluated: 2023-04-11. Review status: criteria provided, single submitter. Criteria: ACMG Guidelines, 2015. Collection method: clinical testing. Allele origin: germline. Affected: no.

Genome-Nilou Lab
Classification: Likely benign for Hypokalemic periodic paralysis, type 1. Last evaluated: 2023-04-11. Review status: criteria provided, single submitter. Criteria: ACMG Guidelines, 2015. Collection method: clinical testing. Allele origin: germline. Affected: no.

Color Diagnostics, LLC DBA Color Health
Classification: Likely benign for Malignant hyperthermia, susceptibility to, 5. Last evaluated: 2022-10-20. Review status: criteria provided, single submitter. Criteria: ACMG Guidelines, 2015. Collection method: clinical testing. Allele origin: germline.

Illumina Laboratory Services, Illumina
Classification: Benign for Hypokalemic periodic paralysis, type 1. Last evaluated: 2018-01-12. Review status: criteria provided, single submitter. Criteria: ICSL Variant Classification Criteria 13 December 2019. Collection method: clinical testing. Allele origin: germline.
Comment: This variant was observed in the ICSL laboratory as part of a predisposition screen in an ostensibly healthy population. It had not been previously curated by ICSL or reported in the Human Gene Mutation Database (HGMD: prior to June 1st, 2018), and was therefore a candidate for classification through an automated scoring system. Utilizing variant allele frequency, disease prevalence and penetrance estimates, and inheritance mode, an automated score was calculated to assess if this variant is too frequent to cause the disease. Based on the score and internal cut-off values, a variant classified as benign is not then subjected to further curation. The score for this variant resulted in a classification of benign for this disease.

Breakthrough Genomics
Classification: Likely benign. Review status: criteria provided, single submitter. Criteria: ACMG Guidelines, 2015. Collection method: not provided. Allele origin: germline. Inheritance: Autosomal dominant inheritance. Affected: yes.

PreventionGenetics, part of Exact Sciences
Classification: Likely benign for CACNA1S-related condition. Last evaluated: 2023-01-04. Review status: no assertion criteria provided. Collection method: clinical testing. Allele origin: germline. Not counted in ClinVar's aggregate classification.
Comment: This variant is classified as likely benign based on ACMG/AMP sequence variant interpretation guidelines (Richards et al. 2015 PMID: 25741868, with internal and published modifications).